The following is an entry in ClinVar:

NM_032271.3(TRAF7):c.1112G>A (p.Arg371Gln)

Gene: TRAF7 (TNF receptor associated factor 7; plus strand). Cytogenetic location: 16p13.3.
Variant type: single nucleotide variant.
Coding change: c.1112G>A on transcript NM_032271.3 (MANE Select); coding-DNA position 1112, G replaced by A.
Protein change: p.Arg371Gln; replaces arginine 371 with glutamine.
Molecular consequence: missense variant.
Genome position (GRCh38, 1-based): chr16:2,173,813, G>A. VCF-style: chr16-2173813-G-A. GRCh37 (hg19) VCF-style: chr16-2223814-G-A.
Other names: short protein forms R371Q.
Identifiers: ClinVar variation 1707473 (VCV001707473.4), dbSNP rs1567252663, ClinGen allele CA394327532.
Genomic context (GRCh38, chr16:2,173,813, plus strand): 5'-CCCACCTGCCCTCTGCCCTGCCCTTGGCCCTGCAGGACGAGCTGTCCCACATCAACGCGC[G>A]GCTGAACATGGGCATCCTAGGCTGTGAGTATGGACCCGCCGTGGCTCCCGCCCACCCTCC-3'
Protein context (NP_115647.2, residues 361-381): LNDELSHINA[Arg371Gln]LNMGILGSYD

ClinVar aggregate classification (germline): Conflicting classifications of pathogenicity. Review status: criteria provided, conflicting classifications (1 of 4 stars). 4 submissions from 4 submitters: Likely pathogenic (1); Uncertain significance (2). 1 of the submissions does not count toward it. Last evaluated 2024-06-26.

Conditions:
Cardiac, facial, and digital anomalies with developmental delay. Identifiers: Orphanet 592570, MedGen C4748484, MONDO:0032572, OMIM 618164.
TRAF7-related disorder. Also called: TRAF7-related condition.

Allele frequency attached by ClinVar (database versions not stated): gnomAD exomes below 0.00001.

Submissions (4):

GeneDx
Classification: Uncertain significance. Last evaluated: 2024-06-26. Review status: criteria provided, single submitter. Criteria: GeneDx Variant Classification Process June 2021. Collection method: clinical testing. Allele origin: germline. Affected: yes.
Comment: Identified in a cohort of pediatric and prenatal patients undergoing whole exome sequencing, but clinical information was not included (PMID: 37236975); Not observed at significant frequency in large population cohorts (gnomAD); In silico analysis indicates that this missense variant does not alter protein structure/function; This variant is associated with the following publications: (PMID: 37236975)

3billion
Classification: Uncertain significance for Cardiac, facial, and digital anomalies with developmental delay. Last evaluated: 2023-11-03. Review status: criteria provided, single submitter. Criteria: ACMG Guidelines, 2015. Collection method: clinical testing. Allele origin: germline. Affected: yes.
Comment: The variant is not observed in the gnomAD v2.1.1 dataset. Predicted Consequence/Location: Missense changes are a common disease-causing mechanism. Same nucleotide change resulting in same amino acid change has been previously reported to be associated with TRAF7 related disorder (ClinVar ID: VCV001707473). However, the evidence of pathogenicity is insufficient at this time. A different missense change at the same codon (p.Arg371Gly) has been reported to be associated with TRAF7 related disorder (ClinVar ID: VCV000587688). However the evidence of pathogenicity is insufficient at this time. Therefore, this variant is classified as VUS according to the recommendation of ACMG/AMP guideline.

Genomic Medicine Lab, University of California San Francisco
Classification: Likely pathogenic for Cardiac, facial, and digital anomalies with developmental delay. Review status: criteria provided, single submitter. Criteria: ACMG Guidelines, 2015. Collection method: clinical testing. Allele origin: unknown. Study: CSER.

PreventionGenetics, part of Exact Sciences
Classification: Uncertain significance for TRAF7-related condition. Last evaluated: 2024-07-16. Review status: no assertion criteria provided. Collection method: clinical testing. Allele origin: germline. Not counted in ClinVar's aggregate classification.
Comment: The TRAF7 c.1112G>A variant is predicted to result in the amino acid substitution p.Arg371Gln. This variant has been reported in an individual with unspecified clinical indications from a large genetic testing cohort (Table S14, Slavotinek et al. 2023. PubMed ID: 37236975). This variant has not been reported in the large population database gnomAD, indicating this variant is rare. An alternate substitution of this amino acid residue (p.Arg371Gly) has been reported as mosaic de novo in a patient with features consistent with a TRAF7-associated disorder (Tokita et al. 2018. PubMed ID: 29961569). Although we suspect that this variant may be pathogenic, at this time, the clinical significance of this variant is uncertain due to the absence of conclusive functional and genetic evidence.